The following is an entry in ClinVar:

ClinVar aggregate classification (germline): Uncertain significance (1 of 4 stars; one submission).

Conditions:
Developmental and epileptic encephalopathy, 11 (DEE11). Also called: Early infantile epileptic encephalopathy 11. Identifiers: Orphanet 1934, MedGen C3150987, MONDO:0013388, OMIM 613721.
Seizures, benign familial infantile, 3 (BFIS3). Also called: Familial neonatal seizures; CONVULSIONS, BENIGN FAMILIAL INFANTILE, 3. Identifiers: Orphanet 140927, Orphanet 306, MedGen C1843140, MONDO:0011904, OMIM 607745.

Allele frequency attached by ClinVar (database versions not stated): gnomAD exomes below 0.00001.
gnomAD v4.1: 2 of 1,613,460 alleles (0.00012%); highest among the groups gnomAD compares: Admixed American, 0.0017%; no homozygotes.

Submission:

Labcorp Genetics (formerly Invitae), Labcorp
Classification: Uncertain significance for Seizures, benign familial infantile, 3; Developmental and epileptic encephalopathy, 11. Last evaluated: 2019-08-25. Review status: criteria provided, single submitter. Criteria: Invitae Variant Classification Sherloc (09022015). Collection method: clinical testing. Allele origin: germline.
Comment: Algorithms developed to predict the effect of missense changes on protein structure and function are either unavailable or do not agree on the potential impact of this missense change (SIFT: "Deleterious"; PolyPhen-2: "Benign"; Align-GVGD: "Class C0"). In summary, the available evidence is currently insufficient to determine the role of this variant in disease. Therefore, it has been classified as a Variant of Uncertain Significance. This variant has not been reported in the literature in individuals with SCN2A-related conditions. This variant is not present in population databases (ExAC no frequency). This sequence change replaces asparagine with threonine at codon 1292 of the SCN2A protein (p.Asn1292Thr). The asparagine residue is highly conserved and there is a small physicochemical difference between asparagine and threonine.

NM_001040142.2(SCN2A):c.3875A>C (p.Asn1292Thr)

Gene: SCN2A (sodium voltage-gated channel alpha subunit 2; plus strand). Cytogenetic location: 2q24.3.
Variant type: single nucleotide variant.
Coding change: c.3875A>C on transcript NM_001040142.2 (MANE Select); coding-DNA position 3875, A replaced by C.
Protein change: p.Asn1292Thr; replaces asparagine 1292 with threonine.
Molecular consequence: missense variant.
Genome position (GRCh38, 1-based): chr2:165,373,250, A>C. VCF-style: chr2-165373250-A-C. GRCh37 (hg19) VCF-style: chr2-166229760-A-C.
Other names: c.3875A>C, p.Asn1292Thr (NM_001040143.2, NM_001371246.1, NM_001371247.1 and 1 more transcripts); short protein forms N1292T.
Identifiers: ClinVar variation 933777 (VCV000933777.10), dbSNP rs1701137702, ClinGen allele CA349028861.